The following is an entry in ClinVar:

NM_004727.3(SLC24A1):c.1760T>G (p.Leu587Arg)

Gene: SLC24A1 (solute carrier family 24 member 1; plus strand). Cytogenetic location: 15q22.31.
Variant type: single nucleotide variant.
Coding change: c.1760T>G on transcript NM_004727.3 (MANE Select); coding-DNA position 1760, T replaced by G.
Protein change: p.Leu587Arg; replaces leucine 587 with arginine.
Molecular consequence: missense variant.
Genome position (GRCh38, 1-based): chr15:65,625,840, T>G. VCF-style: chr15-65625840-T-G. GRCh37 (hg19) VCF-style: chr15-65918178-T-G.
Other names: c.1760T>G, p.Leu587Arg (NM_001301031.1, NM_001301032.1, NM_001301033.2); short protein forms L587R.
Identifiers: ClinVar variation 1054076 (VCV001054076.10), dbSNP rs2141473653, ClinGen allele CA392918549.

ClinVar aggregate classification (germline): Uncertain significance (1 of 4 stars; one submission).

Submission:

Labcorp Genetics (formerly Invitae), Labcorp
Classification: Uncertain significance. Last evaluated: 2022-03-10. Review status: criteria provided, single submitter. Criteria: Invitae Variant Classification Sherloc (09022015). Collection method: clinical testing. Allele origin: germline.
Comment: In summary, the available evidence is currently insufficient to determine the role of this variant in disease. Therefore, it has been classified as a Variant of Uncertain Significance. Algorithms developed to predict the effect of missense changes on protein structure and function (SIFT, PolyPhen-2, Align-GVGD) all suggest that this variant is likely to be disruptive. ClinVar contains an entry for this variant (Variation ID: 1054076). This variant has not been reported in the literature in individuals affected with SLC24A1-related conditions. This variant is not present in population databases (gnomAD no frequency). This sequence change replaces leucine, which is neutral and non-polar, with arginine, which is basic and polar, at codon 587 of the SLC24A1 protein (p.Leu587Arg).